The following is an entry in ClinVar:

ClinVar aggregate classification (germline): Uncertain significance (1 of 4 stars; one submission).

Conditions:
Neuronal ceroid lipofuscinosis 11. Also called: GRN-Related Neuronal Ceroid-Lipofuscinosis. Identifiers: Orphanet 314629, Orphanet 79262, MedGen C3539123, MONDO:0013866, OMIM 614706.
GRN-related frontotemporal lobar degeneration with Tdp43 inclusions (FTD2). Also called: DEMENTIA, HEREDITARY DYSPHASIC DISINHIBITION; FRONTOTEMPORAL LOBAR DEGENERATION WITH UBIQUITIN-POSITIVE INCLUSIONS; FTLD-TDP, GRN-RELATED; GRN Frontotemporal Dementia; FRONTOTEMPORAL DEMENTIA WITH TDP43 INCLUSIONS, GRN-RELATED. Identifiers: Orphanet 100070, Orphanet 282, MedGen C1843792, MONDO:0011842, OMIM 607485. Disease mechanism: loss of function.

Submission:

Labcorp Genetics (formerly Invitae), Labcorp
Classification: Uncertain significance for Neuronal ceroid lipofuscinosis 11; GRN-related frontotemporal lobar degeneration with Tdp43 inclusions. Last evaluated: 2022-04-21. Review status: criteria provided, single submitter. Criteria: Invitae Variant Classification Sherloc (09022015). Collection method: clinical testing. Allele origin: germline.
Comment: This sequence change replaces glutamic acid, which is acidic and polar, with alanine, which is neutral and non-polar, at codon 88 of the GRN protein (p.Glu88Ala). In summary, the available evidence is currently insufficient to determine the role of this variant in disease. Therefore, it has been classified as a Variant of Uncertain Significance. This variant is not present in population databases (gnomAD no frequency). This variant has not been reported in the literature in individuals affected with GRN-related conditions. Algorithms developed to predict the effect of missense changes on protein structure and function are either unavailable or do not agree on the potential impact of this missense change (SIFT: "Deleterious"; PolyPhen-2: "Possibly Damaging"; Align-GVGD: "Class C0"). Algorithms developed to predict the effect of sequence changes on RNA splicing suggest that this variant may create or strengthen a splice site.

NM_002087.4(GRN):c.263A>C (p.Glu88Ala)

Gene: GRN (granulin precursor; plus strand). Cytogenetic location: 17q21.31.
Variant type: single nucleotide variant.
Coding change: c.263A>C on transcript NM_002087.4 (MANE Select); coding-DNA position 263, A replaced by C.
Protein change: p.Glu88Ala; replaces glutamic acid 88 with alanine.
Molecular consequence: missense variant.
Genome position (GRCh38, 1-based): chr17:44,349,550, A>C. VCF-style: chr17-44349550-A-C. GRCh37 (hg19) VCF-style: chr17-42426918-A-C.
Other names: short protein forms E88A.
Identifiers: ClinVar variation 2128680 (VCV002128680.4), dbSNP rs2510054563, ClinGen allele CA399760050.